The following is an entry in ClinVar:

ClinVar aggregate classification (germline): Conflicting classifications of pathogenicity. Review status: criteria provided, conflicting classifications (1 of 4 stars). 4 submissions from 4 submitters: Uncertain significance (1); Likely benign (2). 1 of the submissions does not count toward it. Last evaluated 2025-01-01.

Conditions:
FLNB-related disorder. Also called: FLNB-related condition; FLNB-related disorders. Identifiers: MedGen CN381095.

Allele frequency attached by ClinVar (database versions not stated): 1000 Genomes Project 0.00100; gnomAD exomes 0.00050 and 0.00067; gnomAD 0.00064 and 0.00065; 1000 Genomes Project 30x 0.00094; TOPMed 0.00096; ExAC 0.00098.
gnomAD v4.1: 823 of 1,537,202 alleles (0.054%); highest among the groups gnomAD compares: Middle Eastern, 0.18%; 4 homozygotes.

Submissions (4):

CeGaT Center for Human Genetics Tuebingen
Classification: Likely benign. Last evaluated: 2025-01-01. Review status: criteria provided, single submitter. Criteria: CeGaT Center For Human Genetics Tuebingen Variant Classification Criteria Version 2. Collection method: clinical testing. Allele origin: germline. Affected: yes. Observed: 4 variant alleles.
Comment: FLNB: BS2

Blueprint Genetics
Classification: Likely benign. Last evaluated: 2024-11-26. Review status: criteria provided, single submitter. Criteria: ACMG Guidelines, 2015. Collection method: clinical testing. Allele origin: germline.

Breakthrough Genomics
Classification: Uncertain significance. Review status: criteria provided, single submitter. Criteria: ACMG Guidelines, 2015. Collection method: not provided. Allele origin: germline. Inheritance: Autosomal recessive inheritance. Affected: yes.

PreventionGenetics, part of Exact Sciences
Classification: Likely benign for FLNB-related condition. Last evaluated: 2022-08-29. Review status: no assertion criteria provided. Collection method: clinical testing. Allele origin: germline. Not counted in ClinVar's aggregate classification.
Comment: This variant is classified as likely benign based on ACMG/AMP sequence variant interpretation guidelines (Richards et al. 2015 PMID: 25741868, with internal and published modifications).

NM_001457.4(FLNB):c.4391-825T>C

Gene: FLNB (filamin B; plus strand). Cytogenetic location: 3p14.3.
Variant type: single nucleotide variant.
Coding change: c.4391-825T>C on transcript NM_001457.4 (MANE Select); 825 bases into the intron before coding-DNA position 4391, T replaced by C.
Molecular consequence: intron variant. On other transcripts: missense variant (1).
Genome position (GRCh38, 1-based): chr3:58,131,983, T>C. VCF-style: chr3-58131983-T-C. GRCh37 (hg19) VCF-style: chr3-58117710-T-C.
Other names: c.4447T>C, p.Phe1483Leu (NM_001164317.2); c.4391-825T>C (NM_001164318.2, NM_001164319.2); c.4447T>C (NM_001164317.1); short protein forms F1483L.
Identifiers: ClinVar variation 809499 (VCV000809499.45), dbSNP rs142631042, ClinGen allele CA2468753.